The following is an entry in ClinVar:

ClinVar aggregate classification (germline): Uncertain significance (1 of 4 stars; one submission).

Conditions:
Deficiency of alpha-mannosidase (MANSA). Also called: Mannosidosis, alpha-, types I and II; LYSOSOMAL ALPHA-D-MANNOSIDASE DEFICIENCY; Alpha-Mannosidosis. Identifiers: Orphanet 61, MedGen C0024748, MONDO:0009561, OMIM 248500.

gnomAD v4.1: 2 of 1,608,752 alleles (0.00012%); highest among the groups gnomAD compares: South Asian, 0.0011%; no homozygotes.

Submission:

Labcorp Genetics (formerly Invitae), Labcorp
Classification: Uncertain significance for Deficiency of alpha-mannosidase. Last evaluated: 2022-05-25. Review status: criteria provided, single submitter. Criteria: Invitae Variant Classification Sherloc (09022015). Collection method: clinical testing. Allele origin: germline.
Comment: This sequence change replaces arginine, which is basic and polar, with glycine, which is neutral and non-polar, at codon 585 of the MAN2B1 protein (p.Arg585Gly). This variant is present in population databases (no rsID available, gnomAD 0.01%). This variant has not been reported in the literature in individuals affected with MAN2B1-related conditions. Algorithms developed to predict the effect of missense changes on protein structure and function output the following: SIFT: "Tolerated"; PolyPhen-2: "Benign"; Align-GVGD: "Class C0". The glycine amino acid residue is found in multiple mammalian species, which suggests that this missense change does not adversely affect protein function. In summary, the available evidence is currently insufficient to determine the role of this variant in disease. Therefore, it has been classified as a Variant of Uncertain Significance.

NM_000528.4(MAN2B1):c.1753C>G (p.Arg585Gly)

Gene: MAN2B1 (mannosidase alpha class 2B member 1; minus strand). Cytogenetic location: 19p13.13.
Variant type: single nucleotide variant.
Coding change: c.1753C>G on transcript NM_000528.4 (MANE Select); coding-DNA position 1753, C replaced by G.
Protein change: p.Arg585Gly; replaces arginine 585 with glycine.
Molecular consequence: missense variant.
Genome position (GRCh38, 1-based): chr19:12,655,771, G>C on the plus strand (C>G on the coding strand, the complement: MAN2B1 is on the minus strand). VCF-style: chr19-12655771-G-C. GRCh37 (hg19) VCF-style: chr19-12766585-G-C.
Other names: c.1750C>G, p.Arg584Gly (NM_001173498.2); short protein forms R585G, R584G.
Identifiers: ClinVar variation 2162329 (VCV002162329.1), dbSNP rs764543590, ClinGen allele CA404244840.